The following is an entry in ClinVar:

NM_000388.4(CASR):c.2117T>C (p.Phe706Ser)

Gene: CASR (calcium sensing receptor; plus strand). Cytogenetic location: 3q21.1.
Variant type: single nucleotide variant.
Coding change: c.2117T>C on transcript NM_000388.4 (MANE Select); coding-DNA position 2117, T replaced by C.
Protein change: p.Phe706Ser; replaces phenylalanine 706 with serine.
Molecular consequence: missense variant.
Genome position (GRCh38, 1-based): chr3:122,284,071, T>C. VCF-style: chr3-122284071-T-C. GRCh37 (hg19) VCF-style: chr3-122002918-T-C.
Other names: c.2147T>C, p.Phe716Ser (NM_001178065.2); short protein forms F716S, F706S.
Identifiers: ClinVar variation 4785980 (VCV004785980.1).

ClinVar aggregate classification (germline): Uncertain significance (1 of 4 stars; one submission).

Conditions:
Autosomal dominant hypocalcemia 1 (HYPOC1). Also called: HYPOCALCEMIA, FAMILIAL. Identifiers: MedGen C3715128, MONDO:0011013, OMIM 601198.
Familial hypocalciuric hypercalcemia (FHH). Also called: Familial benign hypercalcemia. Identifiers: Orphanet 405, MedGen C1809471, MONDO:0018458.

Submission:

Labcorp Genetics (formerly Invitae), Labcorp
Classification: Uncertain significance for Familial hypocalciuric hypercalcemia; Autosomal dominant hypocalcemia 1. Last evaluated: 2025-08-27. Review status: criteria provided, single submitter. Criteria: Invitae Variant Classification Sherloc (09022015). Collection method: clinical testing. Allele origin: germline.
Comment: This sequence change replaces phenylalanine, which is neutral and non-polar, with serine, which is neutral and polar, at codon 706 of the CASR protein (p.Phe706Ser). This variant is not present in population databases (gnomAD no frequency). This variant has not been reported in the literature in individuals affected with CASR-related conditions. An algorithm developed to predict the effect of missense changes on protein structure and function (PolyPhen-2) suggests that this variant is likely to be disruptive. In summary, the available evidence is currently insufficient to determine the role of this variant in disease. Therefore, it has been classified as a Variant of Uncertain Significance.